The following is an entry in ClinVar:

ClinVar aggregate classification (germline): Likely benign. Review status: criteria provided, multiple submitters, no conflicts (2 of 4 stars). 3 submissions from 3 submitters: Likely benign (3). Last evaluated 2024-03-17.

Conditions:
Hereditary cancer-predisposing syndrome. Also called: Hereditary Cancer Syndrome; Tumor predisposition; Neoplastic Syndromes, Hereditary; Hereditary neoplastic syndrome. Identifiers: Orphanet 140162, MedGen C0027672, MeSH D009386, MONDO:0015356.
Microcephaly, normal intelligence and immunodeficiency (NBS). Also called: Nijmegen breakage syndrome; Microcephaly with normal intelligence immunodeficiency and lymphoreticular malignancies; Nonsyndromal microcephaly autosomal recessive with normal intelligence; Seemanova syndrome 2; Ataxia telangiectasia variant V1; BERLIN BREAKAGE SYNDROME. Identifiers: Orphanet 647, MedGen C0398791, MONDO:0009623, OMIM 251260.

gnomAD v4.1: 1 of 1,613,870 alleles (0.000062%); highest among the groups gnomAD compares: Non-Finnish European, 0.000085%; no homozygotes.

Submissions (3):

Ambry Genetics
Classification: Likely benign for Hereditary cancer-predisposing syndrome. Last evaluated: 2024-03-17. Review status: criteria provided, single submitter. Criteria: Ambry Variant Classification Scheme 2023. Collection method: clinical testing. Allele origin: germline.

Labcorp Genetics (formerly Invitae), Labcorp
Classification: Likely benign for Microcephaly, normal intelligence and immunodeficiency. Last evaluated: 2021-12-29. Review status: criteria provided, single submitter. Criteria: Invitae Variant Classification Sherloc (09022015). Collection method: clinical testing. Allele origin: germline.

GeneDx
Classification: Likely benign. Last evaluated: 2017-08-24. Review status: criteria provided, single submitter. Criteria: GeneDx Variant Classification (06012015). Collection method: clinical testing. Allele origin: germline. Affected: yes.
Comment: This variant is considered likely benign or benign based on one or more of the following criteria: it is a conservative change, it occurs at a poorly conserved position in the protein, it is predicted to be benign by multiple in silico algorithms, and/or has population frequency not consistent with disease.

NM_002485.5(NBN):c.1245T>C (p.Ser415=)

Gene: NBN (nibrin; minus strand). Cytogenetic location: 8q21.3.
Variant type: single nucleotide variant.
Coding change: c.1245T>C on transcript NM_002485.5 (MANE Select); coding-DNA position 1245, T replaced by C.
Protein change: p.Ser415=; no amino-acid change (serine 415 retained).
Molecular consequence: synonymous variant.
Genome position (GRCh38, 1-based): chr8:89,955,435, A>G on the plus strand (T>C on the coding strand, the complement: NBN is on the minus strand). VCF-style: chr8-89955435-A-G. GRCh37 (hg19) VCF-style: chr8-90967663-A-G.
Other names: c.999T>C, p.Ser333= (NM_001024688.3).
Identifiers: ClinVar variation 511617 (VCV000511617.6), dbSNP rs776180689, ClinGen allele CA4802774.